The following is an entry in ClinVar:

NM_001844.5(COL2A1):c.4352A>G (p.Glu1451Gly)

Gene: COL2A1 (collagen type II alpha 1 chain; minus strand). Cytogenetic location: 12q13.11.
Variant type: single nucleotide variant.
Coding change: c.4352A>G on transcript NM_001844.5 (MANE Select); coding-DNA position 4352, A replaced by G.
Protein change: p.Glu1451Gly; replaces glutamic acid 1451 with glycine.
Molecular consequence: missense variant.
Genome position (GRCh38, 1-based): chr12:47,973,519, T>C on the plus strand (A>G on the coding strand, the complement: COL2A1 is on the minus strand). VCF-style: chr12-47973519-T-C. GRCh37 (hg19) VCF-style: chr12-48367302-T-C.
Other names: c.4145A>G, p.Glu1382Gly (NM_033150.3); short protein forms E1382G, E1451G.
Identifiers: ClinVar variation 3014087 (VCV003014087.4), dbSNP rs769267684, ClinGen allele CA6534473.

ClinVar aggregate classification (germline): Uncertain significance. Review status: criteria provided, multiple submitters, no conflicts (2 of 4 stars). 2 submissions from 2 submitters: Uncertain significance (2). Last evaluated 2024-09-12.

Allele frequency attached by ClinVar (database versions not stated): TOPMed below 0.00001; gnomAD exomes 0.00001; ExAC 0.00002; gnomAD 0.00002.
gnomAD v4.1: 14 of 1,613,996 alleles (0.00087%); highest among the groups gnomAD compares: Non-Finnish European, 0.0012%; no homozygotes.

Submissions (2):

Blueprint Genetics
Classification: Uncertain significance. Last evaluated: 2024-09-12. Review status: criteria provided, single submitter. Criteria: ACMG Guidelines, 2015. Collection method: clinical testing. Allele origin: germline.

Labcorp Genetics (formerly Invitae), Labcorp
Classification: Uncertain significance. Last evaluated: 2023-04-09. Review status: criteria provided, single submitter. Criteria: Invitae Variant Classification Sherloc (09022015). Collection method: clinical testing. Allele origin: germline.
Comment: In summary, the available evidence is currently insufficient to determine the role of this variant in disease. Therefore, it has been classified as a Variant of Uncertain Significance. Advanced modeling of protein sequence and biophysical properties (such as structural, functional, and spatial information, amino acid conservation, physicochemical variation, residue mobility, and thermodynamic stability) has been performed at Invitae for this missense variant, however the output from this modeling did not meet the statistical confidence thresholds required to predict the impact of this variant on COL2A1 protein function. This variant has not been reported in the literature in individuals affected with COL2A1-related conditions. This variant is present in population databases (rs769267684, gnomAD 0.003%). This sequence change replaces glutamic acid, which is acidic and polar, with glycine, which is neutral and non-polar, at codon 1451 of the COL2A1 protein (p.Glu1451Gly).